The following is an entry in ClinVar:

NM_021971.4(GMPPB):c.118G>C (p.Ala40Pro)

Gene: GMPPB (GDP-mannose pyrophosphorylase B; minus strand). Cytogenetic location: 3p21.31.
Variant type: single nucleotide variant.
Coding change: c.118G>C on transcript NM_021971.4 (MANE Select); coding-DNA position 118, G replaced by C.
Protein change: p.Ala40Pro; replaces alanine 40 with proline.
Molecular consequence: missense variant.
Genome position (GRCh38, 1-based): chr3:49,723,609, C>G on the plus strand (G>C on the coding strand, the complement: GMPPB is on the minus strand). VCF-style: chr3-49723609-C-G. GRCh37 (hg19) VCF-style: chr3-49761042-C-G.
Other names: c.118G>C, p.Ala40Pro (NM_013334.4); short protein forms A40P.
Identifiers: ClinVar variation 1002487 (VCV001002487.5), dbSNP rs1445731992, ClinGen allele CA352831281.

ClinVar aggregate classification (germline): Conflicting classifications of pathogenicity. Review status: criteria provided, conflicting classifications (1 of 4 stars). 3 submissions from 3 submitters: Likely pathogenic (1); Uncertain significance (2). Last evaluated 2024-06-17.

Conditions:
Muscular dystrophy-dystroglycanopathy (congenital with brain and eye anomalies), type A14. Also called: WALKER-WARBURG SYNDROME OR MUSCLE-EYE-BRAIN DISEASE, GMPPB-RELATED; Muscular dystrophy-dystroglycanopathy (congenital with brain and eye anomalies), type a, 14; Congenital Muscular Dystrophy-Dystroglycanopathy with Brain and Eye Anomalies Type A 14; Congenital muscular dystrophy-dystroglycanopathy with brain and eye anomalies, type A14. Identifiers: Orphanet 588, MedGen C3809216, MONDO:0014140, OMIM 615350.
Muscular dystrophy-dystroglycanopathy (congenital with impaired intellectual development), type B, 14. Also called: MUSCULAR DYSTROPHY, CONGENITAL, GMPPB-RELATED; Muscular dystrophy-dystroglycanopathy (congenital with intellectual disability), type B14; Congenital muscular dystrophy-dystroglycanopathy with mental retardation, type B14. Identifiers: MedGen C3809221, MONDO:0014141, OMIM 615351.
Autosomal recessive limb-girdle muscular dystrophy type 2T. Also called: MUSCULAR DYSTROPHY-DYSTROGLYCANOPATHY, LIMB-GIRDLE, GMPPB-RELATED; MUSCULAR DYSTROPHY, LIMB-GIRDLE, TYPE 2T; Muscular dystrophy-dystroglycanopathy (limb-girdle), type c, 14; Limb-girdle muscular dystrophy-dystroglycanopathy, type C14. Identifiers: Orphanet 363623, MedGen C4518000, MONDO:0014142, OMIM 615352.

Allele frequency attached by ClinVar (database versions not stated): gnomAD exomes 0.00001.
gnomAD v4.1: 13 of 1,589,328 alleles (0.00082%); highest among the groups gnomAD compares: Non-Finnish European, 0.0011%; no homozygotes.

Submissions (3):

Blueprint Genetics
Classification: Uncertain significance. Last evaluated: 2024-06-17. Review status: criteria provided, single submitter. Criteria: ACMG Guidelines, 2015. Collection method: clinical testing. Allele origin: germline.

Labcorp Genetics (formerly Invitae), Labcorp
Classification: Uncertain significance for Autosomal recessive limb-girdle muscular dystrophy type 2T; Muscular dystrophy-dystroglycanopathy (congenital with brain and eye anomalies), type A14; Muscular dystrophy-dystroglycanopathy (congenital with impaired intellectual development), type B, 14. Last evaluated: 2022-02-03. Review status: criteria provided, single submitter. Criteria: Invitae Variant Classification Sherloc (09022015). Collection method: clinical testing. Allele origin: germline.
Comment: In summary, the available evidence is currently insufficient to determine the role of this variant in disease. Therefore, it has been classified as a Variant of Uncertain Significance. Algorithms developed to predict the effect of missense changes on protein structure and function are either unavailable or do not agree on the potential impact of this missense change (SIFT: "Deleterious"; PolyPhen-2: "Probably Damaging"; Align-GVGD: "Class C0"). ClinVar contains an entry for this variant (Variation ID: 1002487). This variant has not been reported in the literature in individuals affected with GMPPB-related conditions. This variant is present in population databases (no rsID available, gnomAD 0.002%). This sequence change replaces alanine, which is neutral and non-polar, with proline, which is neutral and non-polar, at codon 40 of the GMPPB protein (p.Ala40Pro).

Center for Pediatric Genomic Medicine, Children's Mercy Hospital and Clinics
Classification: Likely pathogenic for Muscular dystrophy-dystroglycanopathy (congenital with brain and eye anomalies), type A14. Last evaluated: 2020-06-01. Review status: criteria provided, single submitter. Criteria: ACMG Guidelines, 2015. Collection method: clinical testing. Allele origin: germline. Affected: yes.
Comment: PM1, PM2, PM3, PP2, PP3